The following is an entry in ClinVar:

ClinVar aggregate classification (germline): Uncertain significance. Review status: criteria provided, multiple submitters, no conflicts (2 of 4 stars). 2 submissions from 2 submitters: Uncertain significance (2). Last evaluated 2025-09-17.

Conditions:
Inborn genetic diseases. Identifiers: MedGen C0950123, MeSH D030342.

Submissions (2):

Ambry Genetics
Classification: Uncertain significance for Inborn genetic diseases. Last evaluated: 2025-09-17. Review status: criteria provided, single submitter. Criteria: Ambry Variant Classification Scheme 2023. Collection method: clinical testing. Allele origin: germline.
Comment: The p.V834L variant (also known as c.2500G>T), located in coding exon 1 of the SAMD9L gene, results from a G to T substitution at nucleotide position 2500. The valine at codon 834 is replaced by leucine, an amino acid with highly similar properties. This amino acid position is conserved. In addition, the in silico prediction for this alteration is inconclusive. Based on the available evidence, the clinical significance of this variant remains unclear.

GeneDx
Classification: Uncertain significance. Last evaluated: 2025-02-11. Review status: criteria provided, single submitter. Criteria: GeneDx Variant Classification Process June 2021. Collection method: clinical testing. Allele origin: germline. Affected: yes.
Comment: Not observed at significant frequency in large population cohorts (gnomAD); In silico analysis indicates that this missense variant does not alter protein structure/function; Has not been previously published as pathogenic or benign to our knowledge

NM_152703.5(SAMD9L):c.2500G>T (p.Val834Leu)

Gene: SAMD9L (sterile alpha motif domain containing 9 like; minus strand). Cytogenetic location: 7q21.2.
Variant type: single nucleotide variant.
Coding change: c.2500G>T on transcript NM_152703.5 (MANE Select); coding-DNA position 2500, G replaced by T.
Protein change: p.Val834Leu; replaces valine 834 with leucine.
Molecular consequence: missense variant.
Genome position (GRCh38, 1-based): chr7:93,133,472, C>A on the plus strand (G>T on the coding strand, the complement: SAMD9L is on the minus strand). VCF-style: chr7-93133472-C-A. GRCh37 (hg19) VCF-style: chr7-92762785-C-A.
Other names: c.2500G>T (NM_152703.2); c.2500G>T, p.Val834Leu (NM_001303496.3, NM_001303497.3, NM_001303498.3 and 5 more transcripts); short protein forms V834L.
Identifiers: ClinVar variation 4074632 (VCV004074632.2).